The following is an entry in ClinVar:

NC_000005.10:g.(?_112775617)_(112780913_?)del

Gene: APC (APC regulator of Wnt signaling pathway; plus strand). Cytogenetic location: 5q22.2.
Variant type: Deletion.
Identifiers: ClinVar variation 833111 (VCV000833111.5).

ClinVar aggregate classification (germline): Pathogenic. Review status: criteria provided, single submitter (1 of 4 stars). 2 submissions from 1 submitter: Pathogenic (1). 1 of the submissions does not count toward it. Last evaluated 2020-02-04.

Conditions:
Familial adenomatous polyposis 1 (FAP1). Also called: POLYPOSIS, ADENOMATOUS INTESTINAL; FAMILIAL ADENOMATOUS POLYPOSIS 1, ATTENUATED. Identifiers: MedGen C2713442, MONDO:0021056, OMIM 175100. Disease mechanism: loss of function.

Submissions (2):

Labcorp Genetics (formerly Invitae), Labcorp
Classification: Pathogenic for Familial adenomatous polyposis 1. Last evaluated: 2020-02-04. Review status: criteria provided, single submitter. Criteria: Invitae Variant Classification Sherloc (09022015). Collection method: clinical testing. Allele origin: germline.
Comment: This variant is an out-of-frame deletion of the genomic region encompassing exons 5-6 of the APC gene. This is expected to create a premature translational stop signal and result in an absent or disrupted protein product. For these reasons, this variant has been classified as Pathogenic. Loss-of-function variants in APC are known to be pathogenic (PMID: 17963004, 20685668). This variant has not been reported in the literature in individuals with APC-related conditions.

Labcorp Genetics (formerly Invitae), Labcorp
Classification: Pathogenic for Familial adenomatous polyposis 1. Last evaluated: 2019-09-19. Review status: flagged submission. Criteria: Invitae Variant Classification Sherloc (09022015). Collection method: clinical testing. Allele origin: germline. Not counted in ClinVar's aggregate classification.
Comment: This variant is an out-of-frame deletion of the genomic region encompassing exons 5-6 of the APC gene. This is expected to create a premature translational stop signal and result in an absent or disrupted protein product. This variant has not been reported in the literature in individuals with APC-related conditions. Loss-of-function variants in APC are known to be pathogenic (PMID: 17963004, 20685668). For these reasons, this variant has been classified as Pathogenic.
ClinVar note: Reason: This record appears to be redundant with a more recent record from the same submitter.
ClinVar note: Notes: SCV001196877 appears to be redundant with SCV002245757.

Literature cited by the submitters: PubMed 17963004; PubMed 20685668.